The following is an entry in ClinVar:

NM_206933.4(USH2A):c.497A>C (p.Glu166Ala)

Gene: USH2A (usherin; minus strand). Cytogenetic location: 1q41.
Variant type: single nucleotide variant.
Coding change: c.497A>C on transcript NM_206933.4 (MANE Select); coding-DNA position 497, A replaced by C.
Protein change: p.Glu166Ala; replaces glutamic acid 166 with alanine.
Molecular consequence: missense variant.
Genome position (GRCh38, 1-based): chr1:216,418,668, T>G on the plus strand (A>C on the coding strand, the complement: USH2A is on the minus strand). VCF-style: chr1-216418668-T-G. GRCh37 (hg19) VCF-style: chr1-216592010-T-G.
Other names: c.497A>C, p.Glu166Ala (NM_007123.6); short protein forms E166A.
Identifiers: ClinVar variation 2415932 (VCV002415932.3), dbSNP rs747778052, ClinGen allele CA344902836.

ClinVar aggregate classification (germline): Uncertain significance (1 of 4 stars; one submission).

Allele frequency attached by ClinVar (database versions not stated): TOPMed below 0.00001; gnomAD 0.00001.
gnomAD v4.1: 3 of 1,612,862 alleles (0.00019%); highest among the groups gnomAD compares: Admixed American, 0.005%; no homozygotes.

Submission:

Labcorp Genetics (formerly Invitae), Labcorp
Classification: Uncertain significance. Last evaluated: 2022-09-02. Review status: criteria provided, single submitter. Criteria: Invitae Variant Classification Sherloc (09022015). Collection method: clinical testing. Allele origin: germline.
Comment: This sequence change replaces glutamic acid, which is acidic and polar, with alanine, which is neutral and non-polar, at codon 166 of the USH2A protein (p.Glu166Ala). The frequency data for this variant in the population databases is considered unreliable, as metrics indicate poor data quality at this position in the gnomAD database. This variant has not been reported in the literature in individuals affected with USH2A-related conditions. Algorithms developed to predict the effect of missense changes on protein structure and function are either unavailable or do not agree on the potential impact of this missense change (SIFT: "Deleterious"; PolyPhen-2: "Probably Damaging"; Align-GVGD: "Class C0"). In summary, the available evidence is currently insufficient to determine the role of this variant in disease. Therefore, it has been classified as a Variant of Uncertain Significance.